The following is an entry in ClinVar:

NM_002230.4(JUP):c.1753A>G (p.Thr585Ala)

Gene: JUP (junction plakoglobin; minus strand). Cytogenetic location: 17q21.2.
Variant type: single nucleotide variant.
Coding change: c.1753A>G on transcript NM_002230.4 (MANE Select); coding-DNA position 1753, A replaced by G.
Protein change: p.Thr585Ala; replaces threonine 585 with alanine.
Molecular consequence: missense variant.
Genome position (GRCh38, 1-based): chr17:41,758,419, T>C on the plus strand (A>G on the coding strand, the complement: JUP is on the minus strand). VCF-style: chr17-41758419-T-C. GRCh37 (hg19) VCF-style: chr17-39914671-T-C.
Other names: c.1753A>G, p.Thr585Ala (NM_001352773.2, NM_001352774.2, NM_001352775.2 and 3 more transcripts); short protein forms T585A.
Identifiers: ClinVar variation 228755 (VCV000228755.18), dbSNP rs782653485, ClinGen allele CA8565141.

ClinVar aggregate classification (germline): Uncertain significance. Review status: criteria provided, multiple submitters, no conflicts (2 of 4 stars). 6 submissions from 5 submitters: Uncertain significance (6). Last evaluated 2025-11-25.

Conditions:
Cardiovascular phenotype. Identifiers: MedGen CN230736.
Arrhythmogenic right ventricular dysplasia 12. Also called: ARRHYTHMOGENIC RIGHT VENTRICULAR DYSPLASIA, FAMILIAL, 12. Identifiers: MedGen C1969081, MONDO:0012684, OMIM 611528.
Naxos disease (NXD). Also called: CARDIOMYOPATHY, ARRHYTHMOGENIC RIGHT VENTRICULAR, WITH SKIN, HAIR, AND NAIL ABNORMALITIES; KERATOSIS PALMOPLANTARIS WITH ARRHYTHMOGENIC CARDIOMYOPATHY; MAL DE NAXOS; PALMOPLANTAR KERATODERMA WITH ARRHYTHMOGENIC RIGHT VENTRICULAR CARDIOMYOPATHY AND WOOLLY HAIR; WOOLLY HAIR, PALMOPLANTAR KERATODERMA, AND CARDIAC ABNORMALITIES. Identifiers: Orphanet 34217, MedGen C1832600, MONDO:0011017, OMIM 601214.

Allele frequency attached by ClinVar (database versions not stated): gnomAD exomes 0.00001 and 0.00002; ExAC 0.00002; gnomAD 0.00002; TOPMed 0.00002.
gnomAD v4.1: 30 of 1,613,242 alleles (0.0019%); highest among the groups gnomAD compares: Non-Finnish European, 0.0021%; no homozygotes.

Submissions (6):

Labcorp Genetics (formerly Invitae), Labcorp
Classification: Uncertain significance for Arrhythmogenic right ventricular dysplasia 12; Naxos disease. Last evaluated: 2025-11-25. Review status: criteria provided, single submitter. Criteria: Invitae Variant Classification Sherloc (09022015). Collection method: clinical testing. Allele origin: germline.
Comment: This sequence change replaces threonine, which is neutral and polar, with alanine, which is neutral and non-polar, at codon 585 of the JUP protein (p.Thr585Ala). This variant is present in population databases (rs782653485, gnomAD 0.002%). This variant has not been reported in the literature in individuals affected with JUP-related conditions. ClinVar contains an entry for this variant (Variation ID: 228755). An algorithm developed to predict the effect of missense changes on protein structure and function (PolyPhen-2) suggests that this variant is likely to be tolerated. In summary, the available evidence is currently insufficient to determine the role of this variant in disease. Therefore, it has been classified as a Variant of Uncertain Significance.

Ambry Genetics
Classification: Uncertain significance for Cardiovascular phenotype. Last evaluated: 2025-07-09. Review status: criteria provided, single submitter. Criteria: Ambry Variant Classification Scheme 2023. Collection method: clinical testing. Allele origin: germline.
Comment: The p.T585A variant (also known as c.1753A>G), located in coding exon 9 of the JUP gene, results from an A to G substitution at nucleotide position 1753. The threonine at codon 585 is replaced by alanine, an amino acid with similar properties. This amino acid position is conserved. In addition, the in silico prediction for this alteration is inconclusive. Based on the available evidence, the clinical significance of this variant remains unclear.

Blueprint Genetics
Classification: Uncertain significance. Last evaluated: 2022-07-08. Review status: criteria provided, single submitter. Criteria: ACMG Guidelines, 2015. Collection method: clinical testing. Allele origin: germline.

Illumina Laboratory Services, Illumina
Classification: Uncertain significance for Naxos disease. Last evaluated: 2018-01-12. Review status: criteria provided, single submitter. Criteria: ICSL Variant Classification Criteria 13 December 2019. Collection method: clinical testing. Allele origin: germline.

Illumina Laboratory Services, Illumina
Classification: Uncertain significance for Arrhythmogenic right ventricular dysplasia 12. Last evaluated: 2018-01-12. Review status: criteria provided, single submitter. Criteria: ICSL Variant Classification Criteria 13 December 2019. Collection method: clinical testing. Allele origin: germline.

Laboratory for Molecular Medicine, Mass General Brigham Personalized Medicine
Classification: Uncertain significance. Last evaluated: 2015-06-09. Review status: criteria provided, single submitter. Criteria: LMM Criteria. Collection method: clinical testing. Allele origin: germline. Observed: 1 variant allele.
Comment: The p.Thr585Ala variant in JUP has not been previously reported in individuals w ith cardiomyopathy, but has been identified in 2/66382 European chromosomes by t he Exome Aggregation Consortium (ExAC). Computat ional prediction tools and conservation analysis do not provide strong support f or or against an impact to the protein. In summary, the clinical significance of the p.Thr585Ala variant is uncertain.